The following is an entry in ClinVar:

ClinVar aggregate classification (germline): Uncertain significance. Review status: no assertion criteria provided (0 of 4 stars). 2 submissions from 1 submitter: Uncertain significance (2). Last evaluated 2024-04-19.

Conditions:
Hypotonia, infantile, with psychomotor retardation and characteristic facies 1 (INNFD). Identifiers: Orphanet 371364, Orphanet 700336, MedGen C3809454, MONDO:0024567, OMIM 615419.
Postaxial polydactyly-anterior pituitary anomalies-facial dysmorphism syndrome. Also called: Culler-Jones syndrome. Identifiers: Orphanet 420584, MedGen C4014479, MONDO:0014369, OMIM 615849.

Submissions (2):

Children's Hospital of Nanjing Medical University
Classification: Uncertain significance for Hypotonia, infantile, with psychomotor retardation and characteristic facies 1. Last evaluated: 2024-04-19. Review status: no assertion criteria provided. Collection method: clinical testing. Allele origin: de novo. Inheritance: Autosomal dominant inheritance. Affected: yes. Observed: 1 heterozygote.

Children's Hospital of Nanjing Medical University
Classification: Uncertain significance for Postaxial polydactyly-anterior pituitary anomalies-facial dysmorphism syndrome. Last evaluated: 2024-04-19. Review status: no assertion criteria provided. Collection method: research. Allele origin: maternal. Inheritance: Autosomal dominant inheritance. Affected: yes. Observed: 1 heterozygote.
Comment: According to the American College of Medical Genetics and Genomics (ACMG)Criteria and Guidelines for the Classification of Genetic Variants, this variant meets the criteria for "Uncertain Significance": PVS1 (Strong evidence of pathogenicity; nonsense mutation in a gene where loss of function is a known mechanism) + PM2(Supporting evidence; variant belonging to low-frequency variation). This variant has not been documented in the gnomAD, HGMD (Human Gene Mutation Database), or ClinVar databases.

NM_001374353.1(GLI2):c.3589C>T (p.Gln1197Ter)

Gene: GLI2 (GLI family zinc finger 2; plus strand). Cytogenetic location: 2q14.2.
Variant type: single nucleotide variant.
Coding change: c.3589C>T on transcript NM_001374353.1 (MANE Select); coding-DNA position 3589, C replaced by T.
Protein change: p.Gln1197Ter; replaces glutamine 1197 with a stop codon.
Molecular consequence: nonsense.
Genome position (GRCh38, 1-based): chr2:120,989,554, C>T. VCF-style: chr2-120989554-C-T. GRCh37 (hg19) VCF-style: chr2-121747130-C-T.
Other names: c.3640C>T, p.Gln1214Ter (NM_001371271.1, NM_005270.5); c.3214C>T, p.Gln1072Ter (NM_001374354.1); short protein forms Q1072*, Q1197*, Q1214*.
Identifiers: ClinVar variation 3900665 (VCV003900665.1).
Genomic context (GRCh38, chr2:120,989,554, plus strand): 5'-AGCCCTGGGGGCCTGGACAGCACGCAGCCACACCTGCAGCCCCGCAGCGGAGCCCCCTCC[C>T]AGGGCATCCCCAGGGTAAACTACATGCAGCAGCTGCGACAGCCAGTGGCAGGCAGCCAGT-3'